The following is an entry in ClinVar:

ClinVar aggregate classification (germline): Uncertain significance. Review status: criteria provided, multiple submitters, no conflicts (2 of 4 stars). 2 submissions from 2 submitters: Uncertain significance (2). Last evaluated 2021-12-28.

Allele frequency attached by ClinVar (database versions not stated): ExAC 0.00001.
gnomAD v4.1: 12 of 1,613,396 alleles (0.00074%); highest among the groups gnomAD compares: South Asian, 0.013%; no homozygotes.

Submissions (2):

Women's Health and Genetics/Laboratory Corporation of America, LabCorp
Classification: Uncertain significance. Last evaluated: 2021-12-28. Review status: criteria provided, single submitter. Criteria: LabCorp Variant Classification Summary - May 2015. Collection method: clinical testing. Allele origin: germline.

Laboratory for Molecular Medicine, Mass General Brigham Personalized Medicine
Classification: Uncertain significance. Last evaluated: 2014-10-10. Review status: criteria provided, single submitter. Criteria: LMM Criteria. Collection method: clinical testing. Allele origin: germline. Observed: 1 variant allele.
Comment: The p.Ile19024Val variant in TTN gene has not been previously reported in indivi duals with cardiomyopathy or in large population studies. Isoleucine (Ile) at po sition 19024 is highly conserved in the majority of mammals and lower species, t hough dolphin and killer whale carry a valine (Val) at this position, raising th e possibility that this change may be tolerated. Additional computational predic tion tools do not provide strong support for or against an impact to the protein . In summary, the clinical significance of the p.Ile19024Val variant is uncertai n.

NM_001267550.2(TTN):c.64774A>G (p.Ile21592Val)

Genes: TTN (titin; minus strand), TTN-AS1 (TTN antisense RNA 1; plus strand). Cytogenetic location: 2q31.2.
Variant type: single nucleotide variant.
Coding change: c.64774A>G on transcript NM_001267550.2 (MANE Select); coding-DNA position 64774, A replaced by G.
Protein change: p.Ile21592Val; replaces isoleucine 21592 with valine.
Molecular consequence: missense variant. On other transcripts: non-coding transcript variant (1).
Genome position (GRCh38, 1-based): chr2:178,584,867, T>C on the plus strand (A>G on the coding strand, the complement: TTN is on the minus strand). VCF-style: chr2-178584867-T-C. GRCh37 (hg19) VCF-style: chr2-179449594-T-C.
Other names: c.57070A>G, p.Ile19024Val (NM_133378.4); c.59851A>G, p.Ile19951Val (NM_001256850.1); c.37579A>G, p.Ile12527Val (NM_003319.4); c.37954A>G, p.Ile12652Val (NM_133432.3); c.38155A>G, p.Ile12719Val (NM_133437.4); short protein forms I19024V, I21592V, I12527V, I12652V, I12719V, I19951V.
Identifiers: ClinVar variation 165899 (VCV000165899.6), dbSNP rs727503581, ClinGen allele CA178611.